The following is an entry in ClinVar:

ClinVar aggregate classification (germline): Uncertain significance (1 of 4 stars; one submission).

Conditions:
Spondylometaphyseal dysplasia - Sutcliffe type. Also called: Spondylometaphyseal Dysplasia, Corner Fracture Type; Sutcliffe type of spondylometaphyseal dysplasia; Sutcliffe SMD; Spondylometaphyseal dysplasia, 'corner fracture' type. Identifiers: Orphanet 93315, MedGen C0432221, MONDO:0008479, OMIM 184255.
Glomerulopathy with fibronectin deposits 2 (GFND2). Identifiers: Orphanet 84090, MedGen C1866075, MONDO:0011165, OMIM 601894.

Submission:

Juno Genomics, Hangzhou Juno Genomics, Inc
Classification: Uncertain significance for Glomerulopathy with fibronectin deposits 2; Spondylometaphyseal dysplasia - Sutcliffe type. Review status: criteria provided, single submitter. Criteria: ACMG Guidelines, 2015. Collection method: clinical testing. Allele origin: germline.
Comment: Absent from controls (or at extremely low frequency if recessive) in Genome Aggregation Database.;Missense variant in a gene that has a low rate of benign missense variation.

NM_212482.4(FN1):c.5263G>A (p.Val1755Met)

Gene: FN1 (fibronectin 1; minus strand). Cytogenetic location: 2q35.
Variant type: single nucleotide variant.
Coding change: c.5263G>A on transcript NM_212482.4 (MANE Select); coding-DNA position 5263, G replaced by A.
Protein change: p.Val1755Met; replaces valine 1755 with methionine.
Molecular consequence: missense variant. On other transcripts: intron variant (10).
Genome position (GRCh38, 1-based): chr2:215,380,982, C>T on the plus strand (G>A on the coding strand, the complement: FN1 is on the minus strand). VCF-style: chr2-215380982-C-T. GRCh37 (hg19) VCF-style: chr2-216245705-C-T.
Other names: c.4891+1230G>A (NM_212476.3, NM_001306132.2, NM_001365523.2 and 2 more transcripts); c.5164+1230G>A (NM_001306130.2, NM_001365522.2, NM_001365519.2 and 2 more transcripts); c.5263G>A, p.Val1755Met (NM_001306129.2); c.4990G>A, p.Val1664Met (NM_001365518.2, NM_001365520.2, NM_001365524.2 and 2 more transcripts); short protein forms V1755M, V1664M.
Identifiers: ClinVar variation 5006206 (VCV005006206.2).